The following is an entry in ClinVar:

NM_213655.5(WNK1):c.2280C>T (p.Pro760=)

Gene: WNK1 (WNK lysine deficient protein kinase 1; plus strand). Cytogenetic location: 12p13.33.
Variant type: single nucleotide variant.
Coding change: c.2280C>T on transcript NM_213655.5 (MANE Plus Clinical); coding-DNA position 2280, C replaced by T.
Protein change: p.Pro760=; no amino-acid change (proline 760 retained).
Molecular consequence: synonymous variant. On other transcripts: intron variant (3).
Genome position (GRCh38, 1-based): chr12:865,250, C>T. VCF-style: chr12-865250-C-T. GRCh37 (hg19) VCF-style: chr12-974416-C-T.
Other names: c.2140-2616C>T (NM_001184985.2); c.2139+2980C>T (NM_018979.4, NM_014823.3); c.2280C>T (NM_213655.4).
Identifiers: ClinVar variation 2938071 (VCV002938071.4), dbSNP rs929352124, ClinGen allele CA231495697.

ClinVar aggregate classification (germline): Likely benign. Review status: criteria provided, multiple submitters, no conflicts (2 of 4 stars). 2 submissions from 2 submitters: Likely benign (2). Last evaluated 2026-02-26.

Conditions:
WNK1-related disorder. Also called: WNK1-related condition.
Neuropathy, hereditary sensory and autonomic, type 2A (HSAN2A). Also called: HSAN IIA; WNK1-Related HSAN2 (HSAN2A); MORVAN DISEASE; NEUROPATHY, CONGENITAL SENSORY; NEUROPATHY, HEREDITARY SENSORY RADICULAR, AUTOSOMAL RECESSIVE; NEUROPATHY, HEREDITARY SENSORY, TYPE IIA. Identifiers: Orphanet 970, MedGen C2752089, MONDO:0024309, OMIM 201300.
Pseudohypoaldosteronism type 2C (PHA2C). Also called: Pseudohypoaldosteronism Type IIC. Identifiers: Orphanet 757, Orphanet 88940, MedGen C1840391, MONDO:0013778, OMIM 614492.

Allele frequency attached by ClinVar (database versions not stated): gnomAD 0.00003; gnomAD exomes 0.00001; TOPMed 0.00002.
gnomAD v4.1: 11 of 1,536,084 alleles (0.00072%); highest among the groups gnomAD compares: Admixed American, 0.0039%; no homozygotes.

Submissions (2):

PreventionGenetics, part of Exact Sciences
Classification: Likely benign for WNK1-related condition. Last evaluated: 2026-02-26. Review status: criteria provided, single submitter. Criteria: ACMG Guidelines, 2015. Collection method: clinical testing. Allele origin: germline.
Comment: This variant is classified as likely benign based on ACMG/AMP sequence variant interpretation guidelines (Richards et al. 2015 PMID: 25741868, with internal and published modifications).

Labcorp Genetics (formerly Invitae), Labcorp
Classification: Likely benign for Neuropathy, hereditary sensory and autonomic, type 2A; Pseudohypoaldosteronism type 2C. Last evaluated: 2024-10-29. Review status: criteria provided, single submitter. Criteria: Invitae Variant Classification Sherloc (09022015). Collection method: clinical testing. Allele origin: germline.